The following is an entry in ClinVar:

NM_001244008.2(KIF1A):c.4852G>T (p.Gly1618Cys)

Gene: KIF1A (kinesin family member 1A; minus strand). Cytogenetic location: 2q37.3.
Variant type: single nucleotide variant.
Coding change: c.4852G>T on transcript NM_001244008.2 (MANE Select); coding-DNA position 4852, G replaced by T.
Protein change: p.Gly1618Cys; replaces glycine 1618 with cysteine.
Molecular consequence: missense variant.
Genome position (GRCh38, 1-based): chr2:240,720,930, C>A on the plus strand (G>T on the coding strand, the complement: KIF1A is on the minus strand). VCF-style: chr2-240720930-C-A. GRCh37 (hg19) VCF-style: chr2-241660347-C-A.
Other names: c.4576G>T, p.Gly1526Cys (NM_001320705.2, NM_001379649.1); c.4603G>T, p.Gly1535Cys (NM_001330289.2); c.4651G>T, p.Gly1551Cys (NM_001330290.2, NM_001379648.1); c.4927G>T, p.Gly1643Cys (NM_001379631.1); c.4828G>T, p.Gly1610Cys (NM_001379632.1); c.4825G>T, p.Gly1609Cys (NM_001379633.1, NM_001379645.1); c.4678G>T, p.Gly1560Cys (NM_001379634.1); c.4675G>T, p.Gly1559Cys (NM_001379635.1, NM_001379646.1); and 7 more; short protein forms G1517C, G1551C, G1535C, G1618C, G1526C, G1516C, G1525C, G1534C.
Identifiers: ClinVar variation 643823 (VCV000643823.6), dbSNP rs777997857, ClinGen allele CA2207282.

ClinVar aggregate classification (germline): Uncertain significance (1 of 4 stars; one submission).

Conditions:
Neuropathy, hereditary sensory, type 2C. Also called: KIF1A-Related HSAN2 (HSAN2C); Hereditary sensory and autonomic neuropathy type IIC. Identifiers: Orphanet 970, MedGen C3280168, MONDO:0013634, OMIM 614213.
Intellectual disability, autosomal dominant 9 (NESCAVS). Also called: NESCAV SYNDROME; KIF1A-Related Neurodevelopmental Disorder. Identifiers: Orphanet 662367, MedGen C5393830, MONDO:0013656, OMIM 614255.
Hereditary spastic paraplegia 30. Identifiers: Orphanet 101010, MedGen C5235139, MONDO:0012476.

Allele frequency attached by ClinVar (database versions not stated): ExAC 0.00006.
gnomAD v4.1: 11 of 1,578,488 alleles (0.0007%); highest among the groups gnomAD compares: South Asian, 0.012%; no homozygotes.

Submission:

Labcorp Genetics (formerly Invitae), Labcorp
Classification: Uncertain significance for Hereditary spastic paraplegia 30; Neuropathy, hereditary sensory, type 2C; Intellectual disability, autosomal dominant 9. Last evaluated: 2021-09-01. Review status: criteria provided, single submitter. Criteria: Invitae Variant Classification Sherloc (09022015). Collection method: clinical testing. Allele origin: germline.
Comment: This sequence change replaces glycine with cysteine at codon 1517 of the KIF1A protein (p.Gly1517Cys). The glycine residue is moderately conserved and there is a large physicochemical difference between glycine and cysteine. This variant is present in population databases (rs777997857, ExAC 0.03%). This variant has not been reported in the literature in individuals affected with KIF1A-related conditions. Algorithms developed to predict the effect of missense changes on protein structure and function (SIFT, PolyPhen-2, Align-GVGD) all suggest that this variant is likely to be tolerated. In summary, the available evidence is currently insufficient to determine the role of this variant in disease. Therefore, it has been classified as a Variant of Uncertain Significance.